The following is an entry in ClinVar:

NM_000702.4(ATP1A2):c.1297G>A (p.Ala433Thr)

Gene: ATP1A2 (ATPase Na+/K+ transporting subunit alpha 2; plus strand). Cytogenetic location: 1q23.2.
Variant type: single nucleotide variant.
Coding change: c.1297G>A on transcript NM_000702.4 (MANE Select); coding-DNA position 1297, G replaced by A.
Protein change: p.Ala433Thr; replaces alanine 433 with threonine.
Molecular consequence: missense variant.
Genome position (GRCh38, 1-based): chr1:160,129,060, G>A. VCF-style: chr1-160129060-G-A. GRCh37 (hg19) VCF-style: chr1-160098850-G-A.
Other names: short protein forms A433T.
Identifiers: ClinVar variation 2920077 (VCV002920077.3), dbSNP rs374067427, ClinGen allele CA1194437.

ClinVar aggregate classification (germline): Uncertain significance (1 of 4 stars; one submission).

Conditions:
Familial hemiplegic migraine. Identifiers: MedGen C0338484, MONDO:0000700.

Allele frequency attached by ClinVar (database versions not stated): gnomAD exomes below 0.00001; ExAC 0.00001; TOPMed 0.00001; gnomAD 0.00002; ESP Exome Variant Server 0.00008.
gnomAD v4.1: 4 of 1,613,490 alleles (0.00025%); highest among the groups gnomAD compares: Non-Finnish European, 0.00034%; no homozygotes.

Submission:

Labcorp Genetics (formerly Invitae), Labcorp
Classification: Uncertain significance for Familial hemiplegic migraine. Last evaluated: 2023-12-12. Review status: criteria provided, single submitter. Criteria: Invitae Variant Classification Sherloc (09022015). Collection method: clinical testing. Allele origin: germline.
Comment: This sequence change replaces alanine, which is neutral and non-polar, with threonine, which is neutral and polar, at codon 433 of the ATP1A2 protein (p.Ala433Thr). This variant is present in population databases (rs374067427, gnomAD 0.002%). This variant has not been reported in the literature in individuals affected with ATP1A2-related conditions. Advanced modeling of protein sequence and biophysical properties (such as structural, functional, and spatial information, amino acid conservation, physicochemical variation, residue mobility, and thermodynamic stability) performed at Invitae indicates that this missense variant is not expected to disrupt ATP1A2 protein function with a negative predictive value of 80%. In summary, the available evidence is currently insufficient to determine the role of this variant in disease. Therefore, it has been classified as a Variant of Uncertain Significance.